The following is an entry in ClinVar:

NM_003011.4(SET):c.573del (p.Trp192fs)

Gene: SET (SET nuclear proto-oncogene; plus strand). Cytogenetic location: 9q34.11.
Variant type: Deletion.
Coding change: c.573del on transcript NM_003011.4 (MANE Select); coding-DNA position 573, one base deleted (C; older notation c.573delC).
Protein change: p.Trp192fs; shifts the reading frame from tryptophan 192.
Molecular consequence: frameshift variant.
Genome position (GRCh38, 1-based): chr9:128,693,718, C deleted; the last of 2 consecutive C bases (chr9:128,693,717-128,693,718); deleting either gives the same sequence. VCF-style (leftmost placement, unchanged base first): chr9-128693716-AC-A. GRCh37 (hg19) VCF-style: chr9-131455995-AC-A.
Other names: c.612del, p.Trp205fs (NM_001122821.2, NM_001374326.1); c.546del, p.Trp183fs (NM_001248000.2); c.540del, p.Trp181fs (NM_001248001.2); short protein forms W181fs, W183fs, W192fs, W205fs.
Identifiers: ClinVar variation 975964 (VCV000975964.1), dbSNP rs1861625938, ClinGen allele CA1139661247.

ClinVar aggregate classification (germline): Likely pathogenic (1 of 4 stars; one submission).

Conditions:
Intellectual developmental disorder, autosomal dominant 58. Also called: MENTAL RETARDATION, AUTOSOMAL DOMINANT 58; Intellectual disability, autosomal dominant 58. Identifiers: MedGen C4748195, MONDO:0020847, OMIM 618106.

Submission:

Institute of Human Genetics, University of Leipzig Medical Center
Classification: Likely pathogenic for Intellectual developmental disorder, autosomal dominant 58. Last evaluated: 2019-01-08. Review status: criteria provided, single submitter. Criteria: ACMG Guidelines, 2015. Collection method: clinical testing. Allele origin: de novo. Affected: yes. Observed: 1 variant allele.
Comment: This variant was identified as de novo (maternity and paternity confirmed).